The following is an entry in ClinVar:

ClinVar aggregate classification (germline): Likely pathogenic (1 of 4 stars; one submission).

Conditions:
Inclusion body myopathy with early-onset Paget disease with or without frontotemporal dementia 3. Also called: MULTISYSTEM PROTEINOPATHY 3. Identifiers: MedGen C3809469, MONDO:0014179, OMIM 615424.

Submission:

Laboratory of Medical Genetics, National & Kapodistrian University of Athens
Classification: Likely pathogenic for Inclusion body myopathy with early-onset Paget disease with or without frontotemporal dementia 3. Last evaluated: 2018-06-12. Review status: criteria provided, single submitter. Criteria: ACMG Guidelines, 2015. Collection method: clinical testing. Allele origin: germline. Affected: yes.
Comment: PM1, PM2, PP1, PP3, PP4

NM_031157.4(HNRNPA1):c.1018C>G (p.Pro340Ala)

Gene: HNRNPA1 (heterogeneous nuclear ribonucleoprotein A1; plus strand). Cytogenetic location: 12q13.13.
Variant type: single nucleotide variant.
Coding change: c.1018C>G on transcript NM_031157.4 (MANE Select); coding-DNA position 1018, C replaced by G.
Protein change: p.Pro340Ala; replaces proline 340 with alanine.
Molecular consequence: missense variant. On other transcripts: non-coding transcript variant (1).
Genome position (GRCh38, 1-based): chr12:54,283,922, C>G. VCF-style: chr12-54283922-C-G. GRCh37 (hg19) VCF-style: chr12-54677706-C-G.
Other names: c.862C>G, p.Pro288Ala (NM_002136.4); short protein forms P288A, P340A.
Identifiers: ClinVar variation 637023 (VCV000637023.1), dbSNP rs1592173638, ClinGen allele CA385122454.